The following is an entry in ClinVar:

ClinVar aggregate classification (germline): Uncertain significance (1 of 4 stars; one submission).

Submission:

GeneDx
Classification: Uncertain significance. Last evaluated: 2025-05-30. Review status: criteria provided, single submitter. Criteria: GeneDx Variant Classification Process June 2021. Collection method: clinical testing. Allele origin: germline. Affected: yes.
Comment: Not observed at significant frequency in large population cohorts (gnomAD); In silico analysis supports that this missense variant has a deleterious effect on protein structure/function; Has not been previously published as pathogenic or benign to our knowledge

NM_024721.5(ZFHX4):c.242C>A (p.Pro81His)

Gene: ZFHX4 (zinc finger homeobox 4; plus strand). Cytogenetic location: 8q21.13.
Variant type: single nucleotide variant.
Coding change: c.242C>A on transcript NM_024721.5 (MANE Select); coding-DNA position 242, C replaced by A.
Protein change: p.Pro81His; replaces proline 81 with histidine.
Molecular consequence: missense variant.
Genome position (GRCh38, 1-based): chr8:76,704,330, C>A. VCF-style: chr8-76704330-C-A. GRCh37 (hg19) VCF-style: chr8-77616565-C-A.
Other names: c.242C>A, p.Pro81His (NM_001410934.1); short protein forms P81H.
Identifiers: ClinVar variation 4532723 (VCV004532723.1).